The following is an entry in ClinVar:

ClinVar aggregate classification (germline): Uncertain significance (1 of 4 stars; one submission).

Submission:

Labcorp Genetics (formerly Invitae), Labcorp
Classification: Uncertain significance. Last evaluated: 2021-07-07. Review status: criteria provided, single submitter. Criteria: Invitae Variant Classification Sherloc (09022015). Collection method: clinical testing. Allele origin: germline.
Comment: In summary, the available evidence is currently insufficient to determine the role of this variant in disease. Therefore, it has been classified as a Variant of Uncertain Significance. This sequence change replaces glutamic acid with glutamine at codon 351 of the USH1C protein (p.Glu351Gln). The glutamic acid residue is highly conserved and there is a small physicochemical difference between glutamic acid and glutamine. This variant is not present in population databases (ExAC no frequency). This variant has not been reported in the literature in individuals affected with USH1C-related conditions. Algorithms developed to predict the effect of missense changes on protein structure and function are either unavailable or do not agree on the potential impact of this missense change (SIFT: "Tolerated"; PolyPhen-2: "Probably Damaging"; Align-GVGD: "Class C0").

NM_153676.4(USH1C):c.1051G>C (p.Glu351Gln)

Gene: USH1C (USH1 protein network component harmonin; minus strand). Cytogenetic location: 11p15.1.
Variant type: single nucleotide variant.
Coding change: c.1051G>C on transcript NM_153676.4 (MANE Select); coding-DNA position 1051, G replaced by C.
Protein change: p.Glu351Gln; replaces glutamic acid 351 with glutamine.
Molecular consequence: missense variant. On other transcripts: non-coding transcript variant (1).
Genome position (GRCh38, 1-based): chr11:17,521,380, C>G on the plus strand (G>C on the coding strand, the complement: USH1C is on the minus strand). VCF-style: chr11-17521380-C-G. GRCh37 (hg19) VCF-style: chr11-17542927-C-G.
Other names: c.994G>C, p.Glu332Gln (NM_001297764.2); c.1051G>C, p.Glu351Gln (NM_005709.4); short protein forms E351Q, E332Q.
Identifiers: ClinVar variation 1365597 (VCV001365597.8), dbSNP rs2133870365, ClinGen allele CA379785080.
Genomic context (GRCh38, chr11:17,521,380, plus strand): 5'-GACACGCGTGGAGCCGAGGTACTCACTGTTCCATCTCCTTCCGGTATCTCTCATTTTCCT[C>G]TGCTGCCTTCTGGGCAATTTCTTTTCTCCTTCTGAAACACAAATGCAGATTGGCATGTTT-3'
Protein context (NP_710142.1, residues 341-361): RRKEIAQKAA[Glu351Gln]ENERYRKEME